The following is an entry in ClinVar:

NM_004360.5(CDH1):c.2295+488T>A

Gene: CDH1 (cadherin 1; plus strand). Cytogenetic location: 16q22.1.
Variant type: single nucleotide variant.
Coding change: c.2295+488T>A on transcript NM_004360.5 (MANE Select); 488 bases into the intron after coding-DNA position 2295, T replaced by A.
Molecular consequence: intron variant.
Genome position (GRCh38, 1-based): chr16:68,828,792, T>A. VCF-style: chr16-68828792-T-A. GRCh37 (hg19) VCF-style: chr16-68862695-T-A.
Other names: c.747+488T>A (NM_001317185.2); c.330+488T>A (NM_001317186.2); c.2112+488T>A (NM_001317184.2).
Identifiers: ClinVar variation 4085063 (VCV004085063.8).
Genomic context (GRCh38, chr16:68,828,792, plus strand): 5'-GGTTATACCTTCAGTCCCTCTGTATTTCCTGATTTTGGAGATGATCTTAACATCTTACCC[T>A]GGAGTTGTCCAGGGAACTGTTCAGTGTCTTGGAGAGCCTACTTATTATAGAAAGGGATCC-3'

ClinVar aggregate classification (germline): Benign (1 of 4 stars; one submission).

gnomAD v4.1: 1,117 of 152,316 alleles (0.73%); highest among the groups gnomAD compares: Non-Finnish European, 1.2%; 6 homozygotes.

Submission:

CeGaT Center for Human Genetics Tuebingen
Classification: Benign. Last evaluated: 2026-10-01. Review status: criteria provided, single submitter. Criteria: CeGaT Center For Human Genetics Tuebingen Variant Classification Criteria Version 2. Collection method: clinical testing. Allele origin: germline. Affected: yes. Observed: 15 variant alleles.
Comment: CDH1: BS1, BS2